The following is an entry in ClinVar:

NM_000218.3(KCNQ1):c.386+1G>T

Gene: KCNQ1 (potassium voltage-gated channel subfamily Q member 1; plus strand). Cytogenetic location: 11p15.5.
Variant type: single nucleotide variant.
Coding change: c.386+1G>T on transcript NM_000218.3 (MANE Select); the canonical splice donor site of the intron after coding-DNA position 386, G replaced by T.
Molecular consequence: splice donor variant.
Genome position (GRCh38, 1-based): chr11:2,445,485, G>T. VCF-style: chr11-2445485-G-T. GRCh37 (hg19) VCF-style: chr11-2466715-G-T.
Other names: c.24+1G>T (NM_001406837.1); c.386+1G>T (NM_001406836.1, NM_001406838.1).
Identifiers: ClinVar variation 1522663 (VCV001522663.8), dbSNP rs2133560406, ClinGen allele CA379117891.

ClinVar aggregate classification (germline): Likely pathogenic (1 of 4 stars; one submission).

Conditions:
Long QT syndrome (LQTS). Identifiers: MedGen C0023976, MeSH D008133, MONDO:0002442. Disease mechanism: loss of function. Inheritance: Various modes of inheritance.

Submission:

Labcorp Genetics (formerly Invitae), Labcorp
Classification: Likely pathogenic for Long QT syndrome. Last evaluated: 2021-05-19. Review status: criteria provided, single submitter. Criteria: Invitae Variant Classification Sherloc (09022015). Collection method: clinical testing. Allele origin: germline.
Comment: This sequence change affects a donor splice site in intron 1 of the KCNQ1 gene. It is expected to disrupt RNA splicing. Variants that disrupt the donor or acceptor splice site typically lead to a loss of protein function (PMID: 16199547), and loss-of-function variants in KCNQ1 are known to be pathogenic (PMID: 9323054, 19862833). This variant is not present in population databases (ExAC no frequency). This variant has not been reported in the literature in individuals with KCNQ1-related conditions. Algorithms developed to predict the effect of sequence changes on RNA splicing suggest that this variant may disrupt the consensus splice site, but this prediction has not been confirmed by published transcriptional studies. In summary, the currently available evidence indicates that the variant is pathogenic, but additional data are needed to prove that conclusively. Therefore, this variant has been classified as Likely Pathogenic.

Literature cited by the submitters: PubMed 16199547; PubMed 9323054; PubMed 19862833.